The following is an entry in ClinVar:

NM_002972.4(SBF1):c.3631G>A (p.Gly1211Ser)

Gene: SBF1 (SET binding factor 1; minus strand). Cytogenetic location: 22q13.33.
Variant type: single nucleotide variant.
Coding change: c.3631G>A on transcript NM_002972.4 (MANE Select); coding-DNA position 3631, G replaced by A.
Protein change: p.Gly1211Ser; replaces glycine 1211 with serine.
Molecular consequence: missense variant.
Genome position (GRCh38, 1-based): chr22:50,459,527, C>T on the plus strand (G>A on the coding strand, the complement: SBF1 is on the minus strand). VCF-style: chr22-50459527-C-T. GRCh37 (hg19) VCF-style: chr22-50897956-C-T.
Other names: c.3634G>A, p.Gly1212Ser (NM_001365819.1); short protein forms G1211S, G1212S.
Identifiers: ClinVar variation 1348217 (VCV001348217.6), dbSNP rs746086795, ClinGen allele CA10316637.

ClinVar aggregate classification (germline): Uncertain significance (1 of 4 stars; one submission).

Allele frequency attached by ClinVar (database versions not stated): gnomAD exomes below 0.00001 and 0.00001; ExAC 0.00002; TOPMed 0.00006; gnomAD 0.00010 and 0.00011.
gnomAD v4.1: 18 of 1,610,208 alleles (0.0011%); highest among the groups gnomAD compares: African/African-American, 0.023%; no homozygotes.

Submission:

Labcorp Genetics (formerly Invitae), Labcorp
Classification: Uncertain significance. Last evaluated: 2021-04-16. Review status: criteria provided, single submitter. Criteria: Invitae Variant Classification Sherloc (09022015). Collection method: clinical testing. Allele origin: germline.
Comment: This variant has not been reported in the literature in individuals with SBF1-related conditions. In summary, the available evidence is currently insufficient to determine the role of this variant in disease. Therefore, it has been classified as a Variant of Uncertain Significance. Algorithms developed to predict the effect of sequence changes on RNA splicing suggest that this variant may create or strengthen a splice site, but this prediction has not been confirmed by published transcriptional studies. Algorithms developed to predict the effect of missense changes on protein structure and function are either unavailable or do not agree on the potential impact of this missense change (SIFT: "Tolerated"; PolyPhen-2: "Probably Damaging"; Align-GVGD: "Class C0"). This variant is present in population databases (rs746086795, ExAC 0.02%). This sequence change replaces glycine with serine at codon 1211 of the SBF1 protein (p.Gly1211Ser). The glycine residue is moderately conserved and there is a small physicochemical difference between glycine and serine.